The following is an entry in ClinVar:

NM_005228.5(EGFR):c.2059G>A (p.Glu687Lys)

Gene: EGFR (epidermal growth factor receptor; plus strand). Cytogenetic location: 7p11.2.
Variant type: single nucleotide variant.
Coding change: c.2059G>A on transcript NM_005228.5 (MANE Select); coding-DNA position 2059, G replaced by A.
Protein change: p.Glu687Lys; replaces glutamic acid 687 with lysine.
Molecular consequence: missense variant.
Genome position (GRCh38, 1-based): chr7:55,173,122, G>A. VCF-style: chr7-55173122-G-A. GRCh37 (hg19) VCF-style: chr7-55240815-G-A.
Other names: c.1924G>A, p.Glu642Lys (NM_001346897.2, NM_001346899.2); c.2059G>A, p.Glu687Lys (NM_001346898.2); c.1900G>A, p.Glu634Lys (NM_001346900.2); c.1258G>A, p.Glu420Lys (NM_001346941.2); short protein forms E420K, E687K, E634K, E642K.
Identifiers: ClinVar variation 3843828 (VCV003843828.1).
Genomic context (GRCh38, chr7:55,173,122, plus strand): 5'-TTCATGCGAAGGCGCCACATCGTTCGGAAGCGCACGCTGCGGAGGCTGCTGCAGGAGAGG[G>A]AGGTGAGTGCCAGTCCTGGGTGGGCTCAGGAGCCCTCGCACCCCGACAGGAACAAGGGCC-3'
Protein context (NP_005219.2, residues 677-697): RTLRRLLQER[Glu687Lys]LVEPLTPSGE

ClinVar aggregate classification (germline): Uncertain significance (1 of 4 stars; one submission).

Conditions:
Hereditary cancer-predisposing syndrome. Also called: Hereditary neoplastic syndrome; Neoplastic Syndromes, Hereditary; Tumor predisposition; Hereditary Cancer Syndrome. Identifiers: Orphanet 140162, MedGen C0027672, MeSH D009386, MONDO:0015356.

gnomAD v4.1: 1 of 1,609,844 alleles (0.000062%); highest among the groups gnomAD compares: Non-Finnish European, 0.000085%; no homozygotes.

Submission:

Ambry Genetics
Classification: Uncertain significance for Hereditary cancer-predisposing syndrome. Last evaluated: 2025-02-09. Review status: criteria provided, single submitter. Criteria: Ambry Variant Classification Scheme 2023. Collection method: clinical testing. Allele origin: germline.
Comment: The p.E687K variant (also known as c.2059G>A), located in coding exon 17 of the EGFR gene, results from a G to A substitution at nucleotide position 2059. The glutamic acid at codon 687 is replaced by lysine, an amino acid with similar properties. This amino acid position is conserved. In addition, this alteration is predicted to be deleterious by in silico analysis. Based on the available evidence, the clinical significance of this variant remains unclear.